The following is an entry in ClinVar:

ClinVar aggregate classification (germline): Uncertain significance (1 of 4 stars; one submission).

Conditions:
Combined immunodeficiency due to DOCK8 deficiency (HIES2). Also called: DOCK8 Deficiency; HYPER-IgE RECURRENT INFECTION SYNDROME 2, AUTOSOMAL RECESSIVE; HYPER-IgE SYNDROME 2, AUTOSOMAL RECESSIVE, WITH RECURRENT INFECTIONS; HIES autosomal recessive; Hyper-IgE recurrent infection syndrome, autosomal recessive. Identifiers: Orphanet 217390, MedGen C4722305, MONDO:0009478, OMIM 243700.

Submission:

Labcorp Genetics (formerly Invitae), Labcorp
Classification: Uncertain significance for Combined immunodeficiency due to DOCK8 deficiency. Last evaluated: 2022-09-26. Review status: criteria provided, single submitter. Criteria: Invitae Variant Classification Sherloc (09022015). Collection method: clinical testing. Allele origin: germline.
Comment: This variant results in a copy number gain of the genomic region encompassing exon(s) 1-7 of the DOCK8 gene. This region includes the initiator codon of the gene. This copy number gain extends beyond the assayed region for this gene and therefore may encompass additional genes. As the precise location of this event is unknown, it may be in tandem or it may be located elsewhere in the genome. This variant has not been reported in the literature in individuals affected with DOCK8-related conditions. Experimental studies and prediction algorithms are not available or were not evaluated, and the functional significance of this variant is currently unknown. In summary, the available evidence is currently insufficient to determine the role of this variant in disease. Therefore, it has been classified as a Variant of Uncertain Significance.

NC_000009.11:g.(?_214977)_(317148_?)dup

Genes: DOCK8-AS1 (DOCK8 antisense RNA 1; minus strand), DOCK8 (dedicator of cytokinesis 8; plus strand). Cytogenetic location: 9p24.3.
Variant type: Duplication.
Identifiers: ClinVar variation 1377193 (VCV001377193.8).